The following is an entry in ClinVar:

NM_000268.4(NF2):c.*2369T>C

Gene: NF2 (NF2, moesin-ezrin-radixin like (MERLIN) tumor suppressor; plus strand). Cytogenetic location: 22q12.2.
Variant type: single nucleotide variant.
Coding change: c.*2369T>C on transcript NM_000268.4 (MANE Select); 2369 bases downstream of the stop codon, T replaced by C.
Molecular consequence: 3 prime UTR variant. On other transcripts: non-coding transcript variant (1).
Genome position (GRCh38, 1-based): chr22:29,697,171, T>C. VCF-style: chr22-29697171-T-C. GRCh37 (hg19) VCF-style: chr22-30093160-T-C.
Other names: c.*2429T>C (NM_016418.5, NM_181828.3, NM_181829.3 and 1 more transcripts); c.*2444T>C (NM_181832.3); c.*2369T>C (NM_181833.3).
Identifiers: ClinVar variation 341144 (VCV000341144.36), dbSNP rs150581809, ClinGen allele CA10653332.

ClinVar aggregate classification (germline): Likely benign (1 of 4 stars; one submission).

Allele frequency attached by ClinVar (database versions not stated): gnomAD exomes 0.00033; TOPMed 0.00204; 1000 Genomes Project 30x 0.00328; 1000 Genomes Project 0.00339.

Submission:

CeGaT Center for Human Genetics Tuebingen
Classification: Likely benign. Last evaluated: 2022-11-01. Review status: criteria provided, single submitter. Criteria: CeGaT Center For Human Genetics Tuebingen Variant Classification Criteria Version 2. Collection method: clinical testing. Allele origin: germline. Affected: yes. Observed: 2 variant alleles.
Comment: NF2: BS1